The following is an entry in ClinVar:

ClinVar aggregate classification (germline): Likely benign (1 of 4 stars; one submission).

Submission:

GeneDx
Classification: Likely benign. Last evaluated: 2017-10-17. Review status: criteria provided, single submitter. Criteria: GeneDx Variant Classification (06012015). Collection method: clinical testing. Allele origin: germline. Affected: yes.
Comment: This variant is considered likely benign or benign based on one or more of the following criteria: it is a conservative change, it occurs at a poorly conserved position in the protein, it is predicted to be benign by multiple in silico algorithms, and/or has population frequency not consistent with disease.

NM_006831.3(CLP1):c.-34C>T

Gene: CLP1 (cleavage factor polyribonucleotide kinase subunit 1; plus strand). Cytogenetic location: 11q12.1.
Variant type: single nucleotide variant.
Coding change: c.-34C>T on transcript NM_006831.3 (MANE Select); 34 bases upstream of the start codon, C replaced by T.
Molecular consequence: 5 prime UTR variant.
Genome position (GRCh38, 1-based): chr11:57,657,849, C>T. VCF-style: chr11-57657849-C-T. GRCh37 (hg19) VCF-style: chr11-57425321-C-T.
Other names: c.-34C>T (NM_001142597.2).
Identifiers: ClinVar variation 512573 (VCV000512573.1), dbSNP rs1555002441, ClinGen allele CA658797651.